The following is an entry in ClinVar:

NM_003982.4(SLC7A7):c.375C>G (p.Leu125=)

Gene: SLC7A7 (solute carrier family 7 member 7; minus strand). Cytogenetic location: 14q11.2.
Variant type: single nucleotide variant.
Coding change: c.375C>G on transcript NM_003982.4 (MANE Select); coding-DNA position 375, C replaced by G.
Protein change: p.Leu125=; no amino-acid change (leucine 125 retained).
Molecular consequence: synonymous variant.
Genome position (GRCh38, 1-based): chr14:22,813,024, G>C on the plus strand (C>G on the coding strand, the complement: SLC7A7 is on the minus strand). VCF-style: chr14-22813024-G-C. GRCh37 (hg19) VCF-style: chr14-23282233-G-C.
Other names: c.375C>G, p.Leu125= (NM_001126105.3, NM_001126106.4).
Identifiers: ClinVar variation 512414 (VCV000512414.11), dbSNP rs199724860, ClinGen allele CA7104720.

ClinVar aggregate classification (germline): Likely benign. Review status: criteria provided, multiple submitters, no conflicts (2 of 4 stars). 3 submissions from 3 submitters: Likely benign (3). Last evaluated 2026-01-19.

Conditions:
Lysinuric protein intolerance (LPI). Identifiers: Orphanet 470, MedGen C0268647, MONDO:0009109, OMIM 222700.

Allele frequency attached by ClinVar (database versions not stated): TOPMed 0.00001; ExAC 0.00003; 1000 Genomes Project 30x 0.00031; ESP Exome Variant Server 0.00008; 1000 Genomes Project 0.00020.
gnomAD v4.1: 21 of 1,614,108 alleles (0.0013%); highest among the groups gnomAD compares: Admixed American, 0.0033%; no homozygotes.

Submissions (3):

Labcorp Genetics (formerly Invitae), Labcorp
Classification: Likely benign for Lysinuric protein intolerance. Last evaluated: 2026-01-19. Review status: criteria provided, single submitter. Criteria: Invitae Variant Classification Sherloc (09022015). Collection method: clinical testing. Allele origin: germline.

Blueprint Genetics
Classification: Likely benign. Last evaluated: 2023-10-15. Review status: criteria provided, single submitter. Criteria: ACMG Guidelines, 2015. Collection method: clinical testing. Allele origin: germline.

GeneDx
Classification: Likely benign. Last evaluated: 2017-10-16. Review status: criteria provided, single submitter. Criteria: GeneDx Variant Classification (06012015). Collection method: clinical testing. Allele origin: germline. Affected: yes.
Comment: This variant is considered likely benign or benign based on one or more of the following criteria: it is a conservative change, it occurs at a poorly conserved position in the protein, it is predicted to be benign by multiple in silico algorithms, and/or has population frequency not consistent with disease.